The following is an entry in ClinVar:

ClinVar aggregate classification (germline): Conflicting classifications of pathogenicity. Review status: criteria provided, conflicting classifications (1 of 4 stars). 3 submissions from 3 submitters: Uncertain significance (1); Likely benign (2). Last evaluated 2026-09-08.

Conditions:
PLEC-related disorder. Also called: PLEC-related disorders; PLEC-related condition.
Epidermolysis bullosa simplex with nail dystrophy (EBS5D). Identifiers: MedGen C4225309, MONDO:0014661, OMIM 616487.
Autosomal recessive limb-girdle muscular dystrophy type 2Q (LGMDR17). Also called: MUSCULAR DYSTROPHY, LIMB-GIRDLE, AUTOSOMAL RECESSIVE 17. Identifiers: Orphanet 254361, MedGen C3150989, MONDO:0013390, OMIM 613723.
Epidermolysis bullosa simplex 5C, with pyloric atresia (EBS5C). Also called: PLEC-Related Epidermolysis Bullosa with Pyloric Atresia; Epidermolysis bullosa simplex with pyloric atresia; PLEC1-Related Epidermolysis Bullosa with Pyloric Atresia. Identifiers: Orphanet 158684, MedGen C2677349, MONDO:0012807, OMIM 612138.
Epidermolysis bullosa simplex 5B, with muscular dystrophy (EBS5B). Also called: EPIDERMOLYSIS BULLOSA SIMPLEX AND LIMB-GIRDLE MUSCULAR DYSTROPHY; Epidermolysis bullosa simplex with muscular dystrophy. Identifiers: Orphanet 257, MedGen C2931072, MONDO:0009181, OMIM 226670.
Epidermolysis bullosa simplex, Ogna type (EBS5A). Also called: Pidermolysis bullosa simplex 5A, Ogna type; EPIDERMOLYSIS BULLOSA SIMPLEX 5A, OGNA TYPE. Identifiers: Orphanet 79401, MedGen C0432317, MONDO:0007555, OMIM 131950.

Allele frequency attached by ClinVar (database versions not stated): ExAC 0.00003; gnomAD exomes 0.00003 and 0.00006; gnomAD 0.00004 and 0.00005; ESP Exome Variant Server 0.00008; TOPMed 0.00008.

Submissions (3):

PreventionGenetics, part of Exact Sciences
Classification: Likely benign for PLEC-related condition. Last evaluated: 2026-09-08. Review status: criteria provided, single submitter. Criteria: ACMG Guidelines, 2015. Collection method: clinical testing. Allele origin: germline.
Comment: This variant is classified as likely benign based on ACMG/AMP sequence variant interpretation guidelines (Richards et al. 2015 PMID: 25741868, with internal and published modifications).

Labcorp Genetics (formerly Invitae), Labcorp
Classification: Likely benign for Autosomal recessive limb-girdle muscular dystrophy type 2Q; Epidermolysis bullosa simplex, Ogna type; Epidermolysis bullosa simplex with nail dystrophy; Epidermolysis bullosa simplex 5C, with pyloric atresia; Epidermolysis bullosa simplex 5B, with muscular dystrophy. Last evaluated: 2025-04-10. Review status: criteria provided, single submitter. Criteria: Invitae Variant Classification Sherloc (09022015). Collection method: clinical testing. Allele origin: germline.

Eurofins Ntd Llc (ga)
Classification: Uncertain significance. Last evaluated: 2015-08-18. Review status: criteria provided, single submitter. Criteria: EGL Classification Definitions 2015. Collection method: clinical testing. Allele origin: germline. Observed: 1 variant allele, 1 heterozygote.

NM_201384.3(PLEC):c.4488C>T (p.Ala1496=)

Gene: PLEC (plectin; minus strand). Cytogenetic location: 8q24.3.
Variant type: single nucleotide variant.
Coding change: c.4488C>T on transcript NM_201384.3 (MANE Select); coding-DNA position 4488, C replaced by T.
Protein change: p.Ala1496=; no amino-acid change (alanine 1496 retained).
Molecular consequence: synonymous variant.
Genome position (GRCh38, 1-based): chr8:143,925,441, G>A on the plus strand (C>T on the coding strand, the complement: PLEC is on the minus strand). VCF-style: chr8-143925441-G-A. GRCh37 (hg19) VCF-style: chr8-144999609-G-A.
Other names: c.4569C>T, p.Ala1523= (NM_000445.5); c.4446C>T, p.Ala1482= (NM_201378.4); c.4422C>T, p.Ala1474= (NM_201379.3); c.4899C>T, p.Ala1633= (NM_201380.4); c.4392C>T, p.Ala1464= (NM_201381.3); c.4488C>T, p.Ala1496= (NM_201382.4); c.4500C>T, p.Ala1500= (NM_201383.3).
Identifiers: ClinVar variation 282826 (VCV000282826.15), dbSNP rs374108886, ClinGen allele CA4926643.